The following is an entry in ClinVar:

NM_019613.4(WDR45B):c.363G>A (p.Lys121=)

Gene: WDR45B (WD repeat domain 45B; minus strand). Cytogenetic location: 17q25.3.
Variant type: single nucleotide variant.
Coding change: c.363G>A on transcript NM_019613.4 (MANE Select); coding-DNA position 363, G replaced by A.
Protein change: p.Lys121=; no amino-acid change (lysine 121 retained).
Molecular consequence: synonymous variant.
Genome position (GRCh38, 1-based): chr17:82,625,453, C>T on the plus strand (G>A on the coding strand, the complement: WDR45B is on the minus strand). VCF-style: chr17-82625453-C-T. GRCh37 (hg19) VCF-style: chr17-80583329-C-T.
Identifiers: ClinVar variation 5038783 (VCV005038783.1).

ClinVar aggregate classification (germline): Likely benign (1 of 4 stars; one submission).

gnomAD v4.1: 445 of 1,614,148 alleles (0.028%); highest among the groups gnomAD compares: South Asian, 0.46%; 8 homozygotes.

Submission:

CeGaT Center for Human Genetics Tuebingen
Classification: Likely benign. Last evaluated: 2026-07-01. Review status: criteria provided, single submitter. Criteria: CeGaT Center For Human Genetics Tuebingen Variant Classification Criteria Version 2. Collection method: clinical testing. Allele origin: germline. Affected: yes. Observed: 1 variant allele.
Comment: WDR45B: BP4, BP7